The following is an entry in ClinVar:

NM_000289.6(PFKM):c.298C>T (p.Arg100Ter)

Gene: PFKM (phosphofructokinase, muscle; plus strand). Cytogenetic location: 12q13.11.
Variant type: single nucleotide variant.
Coding change: c.298C>T on transcript NM_000289.6 (MANE Select); coding-DNA position 298, C replaced by T.
Protein change: p.Arg100Ter; replaces arginine 100 with a stop codon.
Molecular consequence: nonsense. On other transcripts: non-coding transcript variant (6).
Genome position (GRCh38, 1-based): chr12:48,132,928, C>T. VCF-style: chr12-48132928-C-T. GRCh37 (hg19) VCF-style: chr12-48526711-C-T.
Other names: c.511C>T, p.Arg171Ter (NM_001166686.2, NM_001354737.1, NM_001354738.1 and 1 more transcripts); c.298C>T, p.Arg100Ter (NM_001166687.2, NM_001166688.2, NM_001363619.2 and 4 more transcripts); c.607C>T, p.Arg203Ter (NM_001354735.1, NM_001354736.1); c.148C>T, p.Arg50Ter (NM_001354748.2, NM_001354747.2); c.298C>T (NM_000289.5); c.442C>T, p.Arg148Ter (NM_001354740.1); c.322C>T, p.Arg108Ter (NM_001354741.2); c.211C>T, p.Arg71Ter (NM_001354745.2); short protein forms R100*, R108*, R148*, R171*, R203*, R50*, R71*.
Identifiers: ClinVar variation 1072346 (VCV001072346.14), dbSNP rs374547385, ClinGen allele CA6536960.
Genomic context (GRCh38, chr12:48,132,928, plus strand): 5'-GGAGGCACGGTGATTGGAAGTGCCCGGTGCAAGGACTTTCGGGAACGAGAAGGACGACTC[C>T]GAGCTGCCTACAACCTGGTGAAGCGTGGGATCACCAATCTCTGTGTCATTGGGGGTGATG-3'

ClinVar aggregate classification (germline): Conflicting classifications of pathogenicity. Review status: criteria provided, conflicting classifications (1 of 4 stars). 5 submissions from 5 submitters: Pathogenic (2); Likely pathogenic (2); Uncertain significance (1). Last evaluated 2025-05-14.

Conditions:
Glycogen storage disease, type VII (GSD7). Also called: GSD VII; MUSCLE PHOSPHOFRUCTOKINASE DEFICIENCY; PFKM DEFICIENCY; TARUI DISEASE. Identifiers: Orphanet 371, MedGen C0017926, MONDO:0009295, OMIM 232800.

Allele frequency attached by ClinVar (database versions not stated): gnomAD exomes below 0.00001 and 0.00002; ExAC 0.00003; gnomAD 0.00003 and 0.00004; TOPMed 0.00007; ESP Exome Variant Server 0.00015.
gnomAD v4.1: 9 of 1,614,002 alleles (0.00056%); highest among the groups gnomAD compares: African/African-American, 0.0093%; no homozygotes.

Submissions (5):

Natera, Inc.
Classification: Likely pathogenic for Glycogen storage disease type VII. Last evaluated: 2025-05-14. Review status: criteria provided, single submitter. Criteria: Natera Variant Classification Schema (03/2026). Collection method: clinical testing. Allele origin: germline.
Comment: The c.298C>T variant in PFKM is a nonsense variant predicted to introduce a stop codon at amino acid 100. This variant is expected to result in nonsense mediated decay, truncation, or a dysfunctional protein product. This variant is rare in the general population with a frequency below the threshold expected for the associated phenotype(s). Given the available evidence, this variant is classified as Likely Pathogenic.

GeneDx
Classification: Uncertain significance. Last evaluated: 2024-11-09. Review status: criteria provided, single submitter. Criteria: GeneDx Variant Classification Process June 2021. Collection method: clinical testing. Allele origin: germline. Affected: yes.
Comment: Nonsense variant predicted to result in protein truncation or nonsense mediated decay in a gene for which loss of function is a known mechanism of disease; Has not been previously published as pathogenic or benign to our knowledge

3billion
Classification: Pathogenic for Glycogen storage disease, type VII. Last evaluated: 2024-06-15. Review status: criteria provided, single submitter. Criteria: ACMG Guidelines, 2015. Collection method: clinical testing. Allele origin: germline. Affected: yes.
Comment: The variant is observed at an extremely low frequency in the gnomAD v4.0.0 dataset (total allele frequency: <0.001%). Predicted Consequence/Location: Stop-gained (nonsense): predicted to result in a loss or disruption of normal protein function through nonsense-mediated decay (NMD) or protein truncation. Multiple pathogenic variants are reported downstream of the variant. The variant has been reported at least twice as pathogenic with clinical assertions and evidence for the classification (ClinVar ID: VCV001072346). Therefore, this variant is classified as Pathogenic according to the recommendation of ACMG/AMP guideline.

Fulgent Genetics
Classification: Likely pathogenic for Glycogen storage disease, type VII. Last evaluated: 2024-06-07. Review status: criteria provided, single submitter. Criteria: ACMG Guidelines, 2015. Collection method: clinical testing. Allele origin: germline.

Labcorp Genetics (formerly Invitae), Labcorp
Classification: Pathogenic for Glycogen storage disease, type VII. Last evaluated: 2024-02-19. Review status: criteria provided, single submitter. Criteria: Invitae Variant Classification Sherloc (09022015). Collection method: clinical testing. Allele origin: germline.
Comment: This sequence change creates a premature translational stop signal (p.Arg100*) in the PFKM gene. It is expected to result in an absent or disrupted protein product. Loss-of-function variants in PFKM are known to be pathogenic (PMID: 7825568, 8037209). This variant is present in population databases (rs374547385, gnomAD 0.02%). This variant has not been reported in the literature in individuals affected with PFKM-related conditions. ClinVar contains an entry for this variant (Variation ID: 1072346). For these reasons, this variant has been classified as Pathogenic.

Literature cited by the submitters: PubMed 7825568 (cited by Labcorp Genetics (formerly Invitae), Labcorp); PubMed 8037209 (cited by Labcorp Genetics (formerly Invitae), Labcorp).